The following is an entry in ClinVar:

NM_006031.6(PCNT):c.139_150del (p.Asp47_Val50del)

Genes: PCNT (pericentrin; plus strand), LOC128092249 (uncharacterized LOC128092249; plus strand). Cytogenetic location: 21q22.3.
Variant type: Deletion.
Coding change: c.139_150del on transcript NM_006031.6 (MANE Select); coding-DNA positions 139 to 150, 12 bases deleted (GATGCGTCTGTC).
Protein change: p.Asp47_Val50del.
Molecular consequence: inframe deletion. On other transcripts: 5 prime UTR variant (1).
Genome position (GRCh38, 1-based): chr21:46,326,461-46,326,472, GATGCGTCTGTC deleted; deleting any 12 consecutive bases within chr21:46,326,456-46,326,472 gives the same sequence; the c. name uses the placement nearest the transcript's 3' end. VCF-style (leftmost placement, unchanged base first): chr21-46326455-GCTGTCGATGCGT-G. GRCh37 (hg19) VCF-style: chr21-47746369-GCTGTCGATGCGT-G.
Other names: c.174_185del, p.Met59_Ser62del (NM_001414902.1); c.-216_-205del (NM_001315529.2).
Identifiers: ClinVar variation 3350539 (VCV003350539.1).
Genomic context (GRCh38, chr21:46,326,455, plus strand): 5'-AGAAAAACAAAAGGTGACAGTTCGCATTCGGAGAAAAAGACGGCGAAGAGGAAGGGCTCG[GCTGTCGATGCGT>G]CTGTCCAGGAGGAGAGTCCGGTAACCAAGGAGGACAGCGCACTCTGTGGAGGAGGGGACA-3'

ClinVar aggregate classification (germline): Uncertain significance (0 of 4 stars; one submission).

Conditions:
PCNT-related disorder. Also called: PCNT-related condition.

Submission:

PreventionGenetics, part of Exact Sciences
Classification: Uncertain significance for PCNT-related condition. Last evaluated: 2024-08-12. Review status: no assertion criteria provided. Collection method: clinical testing. Allele origin: germline.
Comment: The PCNT c.139_150del12 variant is predicted to result in an in-frame deletion (p.Asp47_Val50del). To our knowledge, this inframe deletion has not been reported in the literature or in a large population database, indicating this variant is rare. This variant has been documented in a Reference SNP report under rs1365741309. At this time, the clinical significance of this variant is uncertain due to the absence of conclusive functional and genetic evidence.